The following is an entry in ClinVar:

NM_000540.3(RYR1):c.9473-2A>G

Gene: RYR1 (ryanodine receptor 1; plus strand). Cytogenetic location: 19q13.2.
Variant type: single nucleotide variant.
Coding change: c.9473-2A>G on transcript NM_000540.3 (MANE Select); the canonical splice acceptor site of the intron before coding-DNA position 9473, A replaced by G.
Molecular consequence: splice acceptor variant.
Genome position (GRCh38, 1-based): chr19:38,515,024, A>G. VCF-style: chr19-38515024-A-G. GRCh37 (hg19) VCF-style: chr19-39005664-A-G.
Other names: c.9473-2A>G (NM_001042723.2).
Identifiers: ClinVar variation 2178932 (VCV002178932.4), dbSNP rs2514419171, ClinGen allele CA405688462.
Genomic context (GRCh38, chr19:38,515,024, plus strand): 5'-GTGGGGTGGGGAGGGCTTGTCTTGTGAGCGCATGCCGCAGCCTCGCCCCCTGTCTCCCTC[A>G]GTGGACGACGTCCAGGTCTCTTGCTACCGAACGCTGTGCAGTATCTACTCCCTGGGAACC-3'

ClinVar aggregate classification (germline): Likely pathogenic (1 of 4 stars; one submission).

Conditions:
RYR1-related disorder. Also called: RYR1-related condition; RYR1-related disorders. Identifiers: MedGen CN239331.

Submission:

Labcorp Genetics (formerly Invitae), Labcorp
Classification: Likely pathogenic for RYR1-related disorder. Last evaluated: 2022-08-23. Review status: criteria provided, single submitter. Criteria: Invitae Variant Classification Sherloc (09022015). Collection method: clinical testing. Allele origin: germline.
Comment: This variant is not present in population databases (gnomAD no frequency). This sequence change affects an acceptor splice site in intron 63 of the RYR1 gene. It is expected to disrupt RNA splicing. Variants that disrupt the donor or acceptor splice site typically lead to a loss of protein function (PMID: 16199547), and loss-of-function variants in RYR1 are known to be pathogenic (PMID: 20583297, 20839240, 23919265, 28818389). This variant has not been reported in the literature in individuals affected with RYR1-related conditions. In summary, the currently available evidence indicates that the variant is pathogenic, but additional data are needed to prove that conclusively. Therefore, this variant has been classified as Likely Pathogenic. Algorithms developed to predict the effect of sequence changes on RNA splicing suggest that this variant may disrupt the consensus splice site.

Literature cited by the submitters: PubMed 16199547; PubMed 20583297; PubMed 20839240; PubMed 23919265; PubMed 28818389.